The following is an entry in ClinVar:

NM_001569.4(IRAK1):c.1195G>C (p.Gly399Arg)

Gene: IRAK1 (interleukin 1 receptor associated kinase 1; minus strand). Cytogenetic location: Xq28.
Variant type: single nucleotide variant.
Coding change: c.1195G>C on transcript NM_001569.4 (MANE Select); coding-DNA position 1195, G replaced by C.
Protein change: p.Gly399Arg; replaces glycine 399 with arginine.
Molecular consequence: missense variant.
Genome position (GRCh38, 1-based): chrX:154,016,478, C>G on the plus strand (G>C on the coding strand, the complement: IRAK1 is on the minus strand). VCF-style: chrX-154016478-C-G. GRCh37 (hg19) VCF-style: chrX-153281929-C-G.
Other names: c.1195G>C, p.Gly399Arg (NM_001025242.2, NM_001025243.2); c.1273G>C, p.Gly425Arg (NM_001410701.1); short protein forms G399R, G425R.
Identifiers: ClinVar variation 3031203 (VCV003031203.2), dbSNP rs1229790473, ClinGen allele CA415146982.

ClinVar aggregate classification (germline): Uncertain significance (0 of 4 stars; one submission).

Conditions:
IRAK1-related disorder. Also called: IRAK1-related condition.

Submission:

PreventionGenetics, part of Exact Sciences
Classification: Uncertain significance for IRAK1-related condition. Last evaluated: 2023-12-15. Review status: no assertion criteria provided. Collection method: clinical testing. Allele origin: germline.
Comment: The IRAK1 c.1195G>C variant is predicted to result in the amino acid substitution p.Gly399Arg. To our knowledge, this variant has not been reported in the literature or in a large population database, indicating this variant is rare. At this time, the clinical significance of this variant is uncertain due to the absence of conclusive functional and genetic evidence.